The following is an entry in ClinVar:

NM_000143.4(FH):c.612T>A (p.His204Gln)

Gene: FH (fumarate hydratase; minus strand). Cytogenetic location: 1q43.
Variant type: single nucleotide variant.
Coding change: c.612T>A on transcript NM_000143.4 (MANE Select); coding-DNA position 612, T replaced by A.
Protein change: p.His204Gln; replaces histidine 204 with glutamine.
Molecular consequence: missense variant.
Genome position (GRCh38, 1-based): chr1:241,508,729, A>T on the plus strand (T>A on the coding strand, the complement: FH is on the minus strand). VCF-style: chr1-241508729-A-T. GRCh37 (hg19) VCF-style: chr1-241672029-A-T.
Other names: short protein forms H204Q.
Identifiers: ClinVar variation 945777 (VCV000945777.11), dbSNP rs1424868653, ClinGen allele CA345439395.

ClinVar aggregate classification (germline): Uncertain significance. Review status: criteria provided, multiple submitters, no conflicts (2 of 4 stars). 2 submissions from 2 submitters: Uncertain significance (2). Last evaluated 2026-05-14.

Conditions:
Hereditary cancer-predisposing syndrome. Also called: Hereditary Cancer Syndrome; Neoplastic Syndromes, Hereditary; Tumor predisposition; Hereditary neoplastic syndrome. Identifiers: Orphanet 140162, MedGen C0027672, MeSH D009386, MONDO:0015356.

gnomAD v4.1: 1 of 1,613,960 alleles (0.000062%); highest among the groups gnomAD compares: Non-Finnish European, 0.000085%; no homozygotes.

Submissions (2):

Ambry Genetics
Classification: Uncertain significance for Hereditary cancer-predisposing syndrome. Last evaluated: 2026-05-14. Review status: criteria provided, single submitter. Criteria: Ambry Variant Classification Scheme 2023. Collection method: clinical testing. Allele origin: germline.
Comment: The p.H204Q variant (also known as c.612T>A), located in coding exon 5 of the FH gene, results from a T to A substitution at nucleotide position 612. The histidine at codon 204 is replaced by glutamine, an amino acid with highly similar properties. This amino acid position is conserved. In addition, the in silico prediction for this alteration is inconclusive. Based on the available evidence, the clinical significance of this variant remains unclear.

Labcorp Genetics (formerly Invitae), Labcorp
Classification: Uncertain significance. Last evaluated: 2019-06-12. Review status: criteria provided, single submitter. Criteria: Invitae Variant Classification Sherloc (09022015). Collection method: clinical testing. Allele origin: germline.
Comment: In summary, the available evidence is currently insufficient to determine the role of this variant in disease. Therefore, it has been classified as a Variant of Uncertain Significance. Algorithms developed to predict the effect of missense changes on protein structure and function (SIFT, PolyPhen-2, Align-GVGD) all suggest that this variant is likely to be tolerated, but these predictions have not been confirmed by published functional studies and their clinical significance is uncertain. This variant has not been reported in the literature in individuals with FH-related conditions. This variant is not present in population databases (ExAC no frequency). This sequence change replaces histidine with glutamine at codon 204 of the FH protein (p.His204Gln). The histidine residue is moderately conserved and there is a small physicochemical difference between histidine and glutamine.